The following is an entry in ClinVar:

NM_182961.4(SYNE1):c.14536C>A (p.Leu4846Ile)

Gene: SYNE1 (spectrin repeat containing nuclear envelope protein 1; minus strand). Cytogenetic location: 6q25.2.
Variant type: single nucleotide variant.
Coding change: c.14536C>A on transcript NM_182961.4 (MANE Select); coding-DNA position 14536, C replaced by A.
Protein change: p.Leu4846Ile; replaces leucine 4846 with isoleucine.
Molecular consequence: missense variant.
Genome position (GRCh38, 1-based): chr6:152,330,149, G>T on the plus strand (C>A on the coding strand, the complement: SYNE1 is on the minus strand). VCF-style: chr6-152330149-G-T. GRCh37 (hg19) VCF-style: chr6-152651284-G-T.
Other names: c.14323C>A, p.Leu4775Ile (NM_033071.5); short protein forms L4775I, L4846I.
Identifiers: ClinVar variation 1216059 (VCV001216059.3), dbSNP rs757647899, ClinGen allele CA4055986.

ClinVar aggregate classification (germline): Uncertain significance (1 of 4 stars; one submission).

gnomAD v4.1: 14 of 1,614,222 alleles (0.00087%); highest among the groups gnomAD compares: South Asian, 0.0099%; no homozygotes.

Submission:

GeneDx
Classification: Uncertain significance. Last evaluated: 2020-05-26. Review status: criteria provided, single submitter. Criteria: GeneDx Variant Classification Process June 2021. Collection method: clinical testing. Allele origin: germline. Affected: yes.
Comment: Has not been previously published as pathogenic or benign to our knowledge; In silico analysis, which includes protein predictors and evolutionary conservation, supports that this variant does not alter protein structure/function; Not observed at a significant frequency in large population cohorts (Lek et al., 2016)